The following is an entry in ClinVar:

ClinVar aggregate classification (germline): Uncertain significance (1 of 4 stars; one submission).

Allele frequency attached by ClinVar (database versions not stated): gnomAD exomes 0.00005; TOPMed 0.00004.
gnomAD v4.1: 62 of 1,480,340 alleles (0.0042%); highest among the groups gnomAD compares: Middle Eastern, 0.036%; no homozygotes.

Submission:

Ambry Genetics
Classification: Uncertain significance. Last evaluated: 2026-07-13. Review status: criteria provided, single submitter. Criteria: Ambry Variant Classification Scheme 2023. Collection method: clinical testing. Allele origin: germline.
Comment: The c.3880C>T (p.P1294S) alteration is located in exon 3 (coding exon 3) of the KIAA1671 gene. This alteration results from a C to T substitution at nucleotide position 3880, causing the proline (P) at amino acid position 1294 to be replaced by a serine (S). Based on data from gnomAD, the T allele has an overall frequency of 0.006% (2/36010) total alleles studied. The highest observed frequency was 0.016% (2/12856) of European (non-Finnish) alleles. Based on insufficient or conflicting evidence, the clinical significance of this alteration remains unclear.

NM_001145206.2(KIAA1671):c.3880C>T (p.Pro1294Ser)

Gene: KIAA1671 (KIAA1671; plus strand). Cytogenetic location: 22q11.23.
Variant type: single nucleotide variant.
Coding change: c.3880C>T on transcript NM_001145206.2 (MANE Select); coding-DNA position 3880, C replaced by T.
Protein change: p.Pro1294Ser; replaces proline 1294 with serine.
Molecular consequence: missense variant.
Genome position (GRCh38, 1-based): chr22:25,041,010, C>T. VCF-style: chr22-25041010-C-T. GRCh37 (hg19) VCF-style: chr22-25436977-C-T.
Other names: c.3880C>T, p.Pro1294Ser (NM_001386930.1, NM_001386932.1, NM_001386933.1); short protein forms P1294S.
Identifiers: ClinVar variation 3114312 (VCV003114312.2), dbSNP rs200775683, ClinGen allele CA322271348.